The following is an entry in ClinVar:

NM_000463.3(UGT1A1):c.1564G>A (p.Gly522Arg)

Genes: UGT1A (UDP glucuronosyltransferase family 1 member A complex locus; plus strand), UGT1A1 (UDP glucuronosyltransferase family 1 member A1; plus strand), UGT1A10 (UDP glucuronosyltransferase family 1 member A10; plus strand), UGT1A3 (UDP glucuronosyltransferase family 1 member A3; plus strand), UGT1A4 (UDP glucuronosyltransferase family 1 member A4; plus strand) and 5 more. Cytogenetic location: 2q37.1.
Variant type: single nucleotide variant.
Coding change: c.1564G>A on transcript NM_000463.3 (MANE Select); coding-DNA position 1564, G replaced by A.
Protein change: p.Gly522Arg; replaces glycine 522 with arginine.
Molecular consequence: missense variant.
Genome position (GRCh38, 1-based): chr2:233,772,521, G>A. VCF-style: chr2-233772521-G-A. GRCh37 (hg19) VCF-style: chr2-234681167-G-A.
Other names: c.1555G>A, p.Gly519Arg (NM_019075.4, NM_019076.5, NM_019077.3 and 1 more transcripts); c.1561G>A, p.Gly521Arg (NM_001072.4); c.760G>A, p.Gly254Arg (NM_205862.3); c.1567G>A, p.Gly523Arg (NM_019078.2, NM_007120.3, NM_019093.4); short protein forms G522R, G254R, G519R, G521R, G523R.
Identifiers: ClinVar variation 499069 (VCV000499069.7), dbSNP rs746578451, ClinGen allele CA2180159.

ClinVar aggregate classification (germline): Uncertain significance. Review status: criteria provided, multiple submitters, no conflicts (2 of 4 stars). 3 submissions from 3 submitters: Uncertain significance (3). Last evaluated 2026-04-14.

Conditions:
UGT1A1-related disorder. Also called: UGT1A1-related condition; UGT1A1-related disorders.
Inborn genetic diseases. Identifiers: MedGen C0950123, MeSH D030342.

Allele frequency attached by ClinVar (database versions not stated): ExAC 0.00001; gnomAD 0.00001; TOPMed 0.00001; gnomAD exomes 0.00002 and 0.00003.
gnomAD v4.1: 24 of 1,614,040 alleles (0.0015%); highest among the groups gnomAD compares: Non-Finnish European, 0.00017%; no homozygotes.

Submissions (3):

Ambry Genetics
Classification: Uncertain significance for Inborn genetic diseases. Last evaluated: 2026-04-14. Review status: criteria provided, single submitter. Criteria: Ambry Variant Classification Scheme 2023. Collection method: clinical testing. Allele origin: germline.

PreventionGenetics, part of Exact Sciences
Classification: Uncertain significance for UGT1A1-related condition. Last evaluated: 2025-05-22. Review status: criteria provided, single submitter. Criteria: ACMG Guidelines, 2015. Collection method: clinical testing. Allele origin: germline.
Comment: The UGT1A1 c.1564G>A variant is predicted to result in the amino acid substitution p.Gly522Arg. To our knowledge, this variant has not been reported in the literature. This variant is reported in 0.069% of alleles in individuals of Ashkenazi Jewish descent in gnomAD. Although we suspect that this variant may be benign, at this time, the clinical significance of this variant is uncertain due to the absence of conclusive functional and genetic evidence.

Eurofins Ntd Llc (ga)
Classification: Uncertain significance. Last evaluated: 2016-12-05. Review status: criteria provided, single submitter. Criteria: EGL Classification Definitions 2015. Collection method: clinical testing. Allele origin: germline. Observed: 1 variant allele, 1 heterozygote.